The following is an entry in ClinVar:

NM_024009.3(GJB3):c.340G>A (p.Ala114Thr)

Gene: GJB3 (gap junction protein beta 3; plus strand). Cytogenetic location: 1p34.3.
Variant type: single nucleotide variant.
Coding change: c.340G>A on transcript NM_024009.3 (MANE Select); coding-DNA position 340, G replaced by A.
Protein change: p.Ala114Thr; replaces alanine 114 with threonine.
Molecular consequence: missense variant.
Genome position (GRCh38, 1-based): chr1:34,785,102, G>A. VCF-style: chr1-34785102-G-A. GRCh37 (hg19) VCF-style: chr1-35250703-G-A.
Other names: c.340G>A, p.Ala114Thr (NM_001005752.2); short protein forms A114T.
Identifiers: ClinVar variation 46083 (VCV000046083.12), dbSNP rs199689484, ClinGen allele CA137655.
Genomic context (GRCh38, chr1:34,785,102, plus strand): 5'-CACGTGGCCTACCGTGAGGAGCGGGAGCGCCGGCACCGCCAGAAACACGGGGACCAGTGC[G>A]CCAAGCTGTACGACAACGCAGGCAAGAAGCACGGAGGCCTGTGGTGGACCTACCTGTTCA-3'
Protein context (NP_076872.1, residues 104-124): RHRQKHGDQC[Ala114Thr]KLYDNAGKKH

ClinVar aggregate classification (germline): Conflicting classifications of pathogenicity. Review status: criteria provided, conflicting classifications (1 of 4 stars). 3 submissions from 3 submitters: Uncertain significance (1); Benign (1); Likely benign (1). Last evaluated 2025-09-04.

Conditions:
Erythrokeratodermia variabilis et progressiva 1 (EKVP1). Also called: ERYTHROKERATODERMIA FIGURATA, CONGENITAL FAMILIAL, IN PLAQUES; ERYTHROKERATODERMIA VARIABILIS WITH ERYTHEMA GYRATUM REPENS; ERYTHROKERATODERMIA, PROGRESSIVE SYMMETRIC. Identifiers: Orphanet 317, MedGen C4551486, MONDO:0033010, OMIM 133200.

Allele frequency attached by ClinVar (database versions not stated): gnomAD 0.00007 and 0.00015; TOPMed 0.00009; gnomAD exomes 0.00016 and 0.00026; ExAC 0.00029; 1000 Genomes Project 0.00080.

Submissions (3):

Labcorp Genetics (formerly Invitae), Labcorp
Classification: Uncertain significance. Last evaluated: 2025-09-04. Review status: criteria provided, single submitter. Criteria: Invitae Variant Classification Sherloc (09022015). Collection method: clinical testing. Allele origin: germline.
Comment: This sequence change replaces alanine, which is neutral and non-polar, with threonine, which is neutral and polar, at codon 114 of the GJB3 protein (p.Ala114Thr). This variant is present in population databases (rs199689484, gnomAD 0.1%). This variant has not been reported in the literature in individuals affected with GJB3-related conditions. ClinVar contains an entry for this variant (Variation ID: 46083). Invitae Evidence Modeling of protein sequence and biophysical properties (such as structural, functional, and spatial information, amino acid conservation, physicochemical variation, residue mobility, and thermodynamic stability) indicates that this missense variant is not expected to disrupt GJB3 protein function with a negative predictive value of 80%. In summary, the available evidence is currently insufficient to determine the role of this variant in disease. Therefore, it has been classified as a Variant of Uncertain Significance.

Illumina Laboratory Services, Illumina
Classification: Benign for Erythrokeratodermia variabilis et progressiva 1. Last evaluated: 2018-01-12. Review status: criteria provided, single submitter. Criteria: ICSL Variant Classification Criteria 13 December 2019. Collection method: clinical testing. Allele origin: germline.
Comment: This variant was observed in the ICSL laboratory as part of a predisposition screen in an ostensibly healthy population. It had not been previously curated by ICSL or reported in the Human Gene Mutation Database (HGMD: prior to June 1st, 2018), and was therefore a candidate for classification through an automated scoring system. Utilizing variant allele frequency, disease prevalence and penetrance estimates, and inheritance mode, an automated score was calculated to assess if this variant is too frequent to cause the disease. Based on the score and internal cut-off values, a variant classified as benign is not then subjected to further curation. The score for this variant resulted in a classification of benign for this disease.

Laboratory for Molecular Medicine, Mass General Brigham Personalized Medicine
Classification: Likely benign. Last evaluated: 2013-02-23. Review status: criteria provided, single submitter. Criteria: LMM Criteria. Collection method: clinical testing. Allele origin: germline. Observed: 1 variant allele.
Comment: Ala114thr in exon 2 of GJB3: This variant is not expected to have clinical signi ficance because computational analyses (biochemical amino acid properties, homol ogy, PolyPhen2, SIFT, AlignGVGD) strongly suggest the variant will not impact th e protein. In addition, this amino acid position is not conserved across species and threonine (Thr) is seen in several primates, mammals and distant species.

Literature cited by the submitters: PubMed 10587579 (cited by Laboratory for Molecular Medicine, Mass General Brigham Personalized Medicine); PubMed 9843210 (cited by Laboratory for Molecular Medicine, Mass General Brigham Personalized Medicine).